The following is an entry in ClinVar:

ClinVar aggregate classification (germline): Likely benign (1 of 4 stars; one submission).

Submission:

GeneDx
Classification: Likely benign. Last evaluated: 2020-05-18. Review status: criteria provided, single submitter. Criteria: GeneDx Variant Classification Process June 2021. Collection method: clinical testing. Allele origin: germline. Affected: yes.
Comment: See Variant Classification Assertion Criteria.

NM_182914.3(SYNE2):c.19658-82dup

Gene: SYNE2 (spectrin repeat containing nuclear envelope protein 2; plus strand). Cytogenetic location: 14q23.2.
Variant type: Duplication.
Coding change: c.19658-82dup on transcript NM_182914.3 (MANE Select); 82 bases into the intron before coding-DNA position 19658, one base duplicated (A; older notation c.19658-82dupA).
Molecular consequence: intron variant.
Genome position (GRCh38, 1-based): chr14:64,219,126, A duplicated; the last of 2 consecutive A bases (chr14:64,219,125-64,219,126); duplicating either gives the same sequence. VCF-style (leftmost placement, unchanged base first): chr14-64219124-T-TA. GRCh37 (hg19) VCF-style: chr14-64685842-T-TA.
Other names: c.19589-82dup (NM_015180.6); c.560-82dup (NM_182913.4); c.182-82dup (NM_182910.2).
Identifiers: ClinVar variation 4795398 (VCV004795398.1).
Genomic context (GRCh38, chr14:64,219,124, plus strand): 5'-ACCAGACCCTTCTGTCAGGGGAATCCCCTACAGTTTTTTTGTTTTTTTTTTTTTTTTTTT[T>TA]AACCACCCTGACCCCTAATTAGCTGGAGGCAGAGAAATCTGTTGCATTATTGCTTTTTTT-3'